The following is an entry in ClinVar:

NM_005419.4(STAT2):c.761G>A (p.Gly254Glu)

Gene: STAT2 (signal transducer and activator of transcription 2; minus strand). Cytogenetic location: 12q13.3.
Variant type: single nucleotide variant.
Coding change: c.761G>A on transcript NM_005419.4 (MANE Select); coding-DNA position 761, G replaced by A.
Protein change: p.Gly254Glu; replaces glycine 254 with glutamic acid.
Molecular consequence: missense variant.
Genome position (GRCh38, 1-based): chr12:56,354,487, C>T on the plus strand (G>A on the coding strand, the complement: STAT2 is on the minus strand). VCF-style: chr12-56354487-C-T. GRCh37 (hg19) VCF-style: chr12-56748271-C-T.
Other names: c.749G>A, p.Gly250Glu (NM_001385110.1, NM_001385115.1, NM_198332.2); c.761G>A, p.Gly254Glu (NM_001385111.1, NM_001385113.1, NM_001385114.1); short protein forms G254E, G250E.
Identifiers: ClinVar variation 1357768 (VCV001357768.5), dbSNP rs1482708314, ClinGen allele CA385262569.

ClinVar aggregate classification (germline): Uncertain significance (1 of 4 stars; one submission).

Conditions:
Primary immunodeficiency with post-measles-mumps-rubella vaccine viral infection. Also called: Immunodeficiency 44. Identifiers: Orphanet 431166, MedGen C4225260, MONDO:0014715, OMIM 616636.

Allele frequency attached by ClinVar (database versions not stated): gnomAD exomes below 0.00001 and 0.00001; gnomAD 0.00001; TOPMed 0.00001.
gnomAD v4.1: 5 of 1,614,040 alleles (0.00031%); highest among the groups gnomAD compares: Non-Finnish European, 0.00034%; no homozygotes.

Submission:

Labcorp Genetics (formerly Invitae), Labcorp
Classification: Uncertain significance for Primary immunodeficiency with post-measles-mumps-rubella vaccine viral infection. Last evaluated: 2021-08-28. Review status: criteria provided, single submitter. Criteria: Invitae Variant Classification Sherloc (09022015). Collection method: clinical testing. Allele origin: germline.
Comment: This sequence change replaces glycine with glutamic acid at codon 254 of the STAT2 protein (p.Gly254Glu). The glycine residue is weakly conserved and there is a moderate physicochemical difference between glycine and glutamic acid. This variant is not present in population databases (ExAC no frequency). This variant has not been reported in the literature in individuals affected with STAT2-related conditions. Advanced modeling of protein sequence and biophysical properties (such as structural, functional, and spatial information, amino acid conservation, physicochemical variation, residue mobility, and thermodynamic stability) performed at Invitae indicates that this missense variant is not expected to disrupt STAT2 protein function. In summary, the available evidence is currently insufficient to determine the role of this variant in disease. Therefore, it has been classified as a Variant of Uncertain Significance.